The following is an entry in ClinVar:

ClinVar aggregate classification (germline): Likely benign. Review status: criteria provided, multiple submitters, no conflicts (2 of 4 stars). 2 submissions from 2 submitters: Likely benign (2). Last evaluated 2025-11-01.

gnomAD v4.1: 8 of 1,572,526 alleles (0.00051%); highest among the groups gnomAD compares: African/African-American, 0.011%; no homozygotes.

Submissions (2):

Labcorp Genetics (formerly Invitae), Labcorp
Classification: Likely benign. Last evaluated: 2025-11-01. Review status: criteria provided, single submitter. Criteria: Invitae Variant Classification Sherloc (09022015). Collection method: clinical testing. Allele origin: germline.

Women's Health and Genetics/Laboratory Corporation of America, LabCorp
Classification: Likely benign. Last evaluated: 2023-08-22. Review status: criteria provided, single submitter. Criteria: LabCorp Variant Classification Summary - May 2015. Collection method: clinical testing. Allele origin: germline.
Comment: Variant summary: CFH c.58+19C>G alters a non-conserved nucleotide located at a position not widely known to affect splicing. 4/4 computational tools predict no significant impact on normal splicing. However, these predictions have yet to be confirmed by functional studies. The variant allele was found at a frequency of 8e-06 in 249920 control chromosomes. The available data on variant occurrences in the general population are insufficient to allow any conclusion about variant significance. To our knowledge, no occurrence of c.58+19C>G in individuals affected with CFH-Related Disorders and no experimental evidence demonstrating its impact on protein function have been reported. No submitters have cited clinical-significance assessments for this variant to ClinVar after 2014. Based on the evidence outlined above, the variant was classified as likely benign.

NM_000186.4(CFH):c.58+19C>G

Gene: CFH (complement factor H; plus strand). Cytogenetic location: 1q31.3.
Variant type: single nucleotide variant.
Coding change: c.58+19C>G on transcript NM_000186.4 (MANE Select); 19 bases into the intron after coding-DNA position 58, C replaced by G.
Molecular consequence: intron variant.
Genome position (GRCh38, 1-based): chr1:196,652,194, C>G. VCF-style: chr1-196652194-C-G. GRCh37 (hg19) VCF-style: chr1-196621324-C-G.
Other names: c.58+19C>G (NM_001014975.3).
Identifiers: ClinVar variation 2581283 (VCV002581283.2), dbSNP rs771334291, ClinGen allele CA1304922.